The following is an entry in ClinVar:

NM_001378452.1(ITPR1):c.4829T>C (p.Ile1610Thr)

Genes: BRRIAR (BHLHE40 and RIG-I regulating ITPR1 antisense RNA; minus strand), ITPR1 (inositol 1,4,5-trisphosphate receptor type 1; plus strand). Cytogenetic location: 3p26.1.
Variant type: single nucleotide variant.
Coding change: c.4829T>C on transcript NM_001378452.1 (MANE Select); coding-DNA position 4829, T replaced by C.
Protein change: p.Ile1610Thr; replaces isoleucine 1610 with threonine.
Molecular consequence: missense variant.
Genome position (GRCh38, 1-based): chr3:4,706,338, T>C. VCF-style: chr3-4706338-T-C. GRCh37 (hg19) VCF-style: chr3-4748022-T-C.
Other names: c.4802T>C, p.Ile1601Thr (NM_001099952.4); c.4784T>C, p.Ile1595Thr (NM_001168272.2); c.4757T>C, p.Ile1586Thr (NM_002222.7); short protein forms I1586T, I1595T, I1601T, I1610T.
Identifiers: ClinVar variation 2507162 (VCV002507162.5), dbSNP rs2469865613, ClinGen allele CA351635337.

ClinVar aggregate classification (germline): Uncertain significance. Review status: criteria provided, multiple submitters, no conflicts (2 of 4 stars). 2 submissions from 2 submitters: Uncertain significance (2). Last evaluated 2026-03-01.

Allele frequency attached by ClinVar (database versions not stated): gnomAD exomes below 0.00001.
gnomAD v4.1: 3 of 1,609,436 alleles (0.00019%); highest among the groups gnomAD compares: Non-Finnish European, 0.00026%; no homozygotes.

Submissions (2):

CeGaT Center for Human Genetics Tuebingen
Classification: Uncertain significance. Last evaluated: 2026-03-01. Review status: criteria provided, single submitter. Criteria: CeGaT Center For Human Genetics Tuebingen Variant Classification Criteria Version 2. Collection method: clinical testing. Allele origin: germline. Affected: yes. Observed: 1 variant allele.
Comment: ITPR1: PM2, PP2

GeneDx
Classification: Uncertain significance. Last evaluated: 2022-12-30. Review status: criteria provided, single submitter. Criteria: GeneDx Variant Classification Process June 2021. Collection method: clinical testing. Allele origin: germline. Affected: yes.
Comment: Not observed at significant frequency in large population cohorts (gnomAD); In silico analysis supports that this missense variant has a deleterious effect on protein structure/function; Has not been previously published as pathogenic or benign to our knowledge